The following is an entry in ClinVar:

NM_006348.5(COG5):c.2375G>A (p.Arg792Lys)

Gene: COG5 (component of oligomeric golgi complex 5; minus strand). Cytogenetic location: 7q22.3.
Variant type: single nucleotide variant.
Coding change: c.2375G>A on transcript NM_006348.5 (MANE Select); coding-DNA position 2375, G replaced by A.
Protein change: p.Arg792Lys; replaces arginine 792 with lysine.
Molecular consequence: missense variant. On other transcripts: intron variant (1).
Genome position (GRCh38, 1-based): chr7:107,210,526, C>T on the plus strand (G>A on the coding strand, the complement: COG5 is on the minus strand). VCF-style: chr7-107210526-C-T. GRCh37 (hg19) VCF-style: chr7-106850971-C-T.
Other names: c.2375G>A, p.Arg792Lys (NM_001161520.2); c.2213G>A, p.Arg738Lys (NM_001379511.1); c.2201G>A, p.Arg734Lys (NM_001379512.1); c.2060G>A, p.Arg687Lys (NM_001379514.1); c.1805G>A, p.Arg602Lys (NM_001379515.1); c.1661G>A, p.Arg554Lys (NM_001379516.1); c.2312G>A, p.Arg771Lys (NM_181733.4); c.2169-6896G>A (NM_001379513.1); short protein forms R554K, R687K, R738K, R771K, R602K, R734K, R792K.
Identifiers: ClinVar variation 1390123 (VCV001390123.8), dbSNP rs2116193173, ClinGen allele CA368839355.

ClinVar aggregate classification (germline): Uncertain significance (1 of 4 stars; one submission).

Conditions:
COG5-congenital disorder of glycosylation. Also called: CONGENITAL DISORDER OF GLYCOSYLATION, TYPE IIi; CDG IIi; COG5-CDG. Identifiers: Orphanet 263487, MedGen C3150876, MONDO:0013325, OMIM 613612.

Submission:

Labcorp Genetics (formerly Invitae), Labcorp
Classification: Uncertain significance for COG5-congenital disorder of glycosylation. Last evaluated: 2021-06-06. Review status: criteria provided, single submitter. Criteria: Invitae Variant Classification Sherloc (09022015). Collection method: clinical testing. Allele origin: germline.
Comment: This sequence change replaces arginine with lysine at codon 823 of the COG5 protein (p.Arg823Lys). The arginine residue is moderately conserved and there is a small physicochemical difference between arginine and lysine. This variant also falls at the last nucleotide of exon 21, which is part of the consensus splice site for this exon. This variant has not been reported in the literature in individuals with COG5-related conditions. This variant is not present in population databases (ExAC no frequency). Algorithms developed to predict the effect of missense changes on protein structure and function (SIFT, PolyPhen-2, Align-GVGD) all suggest that this variant is likely to be tolerated, but these predictions have not been confirmed by published functional studies and their clinical significance is uncertain. Nucleotide substitutions within the consensus splice site are a relatively common cause of aberrant splicing (PMID: 17576681, 9536098). Algorithms developed to predict the effect of sequence changes on RNA splicing suggest that this variant may disrupt the consensus splice site, but this prediction has not been confirmed by published transcriptional studies. In summary, the available evidence is currently insufficient to determine the role of this variant in disease. Therefore, it has been classified as a Variant of Uncertain Significance.

Literature cited by the submitters: PubMed 17576681; PubMed 9536098.